The following is an entry in ClinVar:

ClinVar aggregate classification (germline): Uncertain significance. Review status: criteria provided, multiple submitters, no conflicts (2 of 4 stars). 2 submissions from 2 submitters: Uncertain significance (2). Last evaluated 2025-10-16.

Conditions:
Hereditary cancer-predisposing syndrome. Also called: Neoplastic Syndromes, Hereditary; Tumor predisposition; Hereditary Cancer Syndrome; Hereditary neoplastic syndrome. Identifiers: Orphanet 140162, MedGen C0027672, MeSH D009386, MONDO:0015356.
Gastrointestinal stromal tumor. Also called: Gastrointestinal stromal tumor, somatic; Gastrointestinal stroma tumor. Identifiers: Orphanet 44890, MedGen C0238198, MeSH D046152, MONDO:0011719, OMIM 606764, HP:0100723.

Submissions (2):

Ambry Genetics
Classification: Uncertain significance for Hereditary cancer-predisposing syndrome. Last evaluated: 2025-10-16. Review status: criteria provided, single submitter. Criteria: Ambry Variant Classification Scheme 2023. Collection method: clinical testing. Allele origin: germline.
Comment: The p.P519S variant (also known as c.1555C>T), located in coding exon 9 of the PDGFRA gene, results from a C to T substitution at nucleotide position 1555. The proline at codon 519 is replaced by serine, an amino acid with similar properties. This amino acid position is conserved. In addition, this alteration is predicted to be tolerated by in silico analysis. Based on the available evidence, the clinical significance of this variant remains unclear.

Labcorp Genetics (formerly Invitae), Labcorp
Classification: Uncertain significance for Gastrointestinal stromal tumor. Last evaluated: 2023-07-17. Review status: criteria provided, single submitter. Criteria: Invitae Variant Classification Sherloc (09022015). Collection method: clinical testing. Allele origin: germline.
Comment: This sequence change replaces proline, which is neutral and non-polar, with serine, which is neutral and polar, at codon 519 of the PDGFRA protein (p.Pro519Ser). This variant is not present in population databases (gnomAD no frequency). This variant has not been reported in the literature in individuals affected with PDGFRA-related conditions. Advanced modeling of protein sequence and biophysical properties (such as structural, functional, and spatial information, amino acid conservation, physicochemical variation, residue mobility, and thermodynamic stability) performed at Invitae indicates that this missense variant is not expected to disrupt PDGFRA protein function. In summary, the available evidence is currently insufficient to determine the role of this variant in disease. Therefore, it has been classified as a Variant of Uncertain Significance.

NM_006206.6(PDGFRA):c.1555C>T (p.Pro519Ser)

Gene: PDGFRA (platelet derived growth factor receptor alpha; plus strand). Cytogenetic location: 4q12.
Variant type: single nucleotide variant.
Coding change: c.1555C>T on transcript NM_006206.6 (MANE Select); coding-DNA position 1555, C replaced by T.
Protein change: p.Pro519Ser; replaces proline 519 with serine.
Molecular consequence: missense variant.
Genome position (GRCh38, 1-based): chr4:54,273,727, C>T. VCF-style: chr4-54273727-C-T. GRCh37 (hg19) VCF-style: chr4-55139894-C-T.
Other names: c.1555C>T, p.Pro519Ser (NM_001347827.2, NM_001347829.2); c.1630C>T, p.Pro544Ser (NM_001347828.2); c.1594C>T, p.Pro532Ser (NM_001347830.2); short protein forms P532S, P519S, P544S.
Identifiers: ClinVar variation 2744348 (VCV002744348.3), dbSNP rs2110293429, ClinGen allele CA356892805.